The following is an entry in ClinVar:

ClinVar aggregate classification (germline): other (0 of 4 stars; one submission).

Conditions:
Familial colorectal cancer. Identifiers: MedGen CN280943, MONDO:0023113. Disease mechanism: loss of function.

Submission:

Systems Biology Platform Zhejiang California International NanoSystems Institute
Classification: other for Familial colorectal cancer. Review status: no assertion criteria provided. Collection method: not provided. Allele origin: unknown.
ClinVar note: Converted during submission from cancer to other.

NM_000038.6(APC):c.-19+6805G>A

Gene: APC (APC regulator of WNT signaling pathway; plus strand). Cytogenetic location: 5q22.2.
Variant type: single nucleotide variant.
Coding change: c.-19+6805G>A on transcript NM_000038.6 (MANE Select); 6805 bases into the intron after 19 bases upstream of the start codon, G replaced by A.
Molecular consequence: intron variant.
Genome position (GRCh38, 1-based): chr5:112,744,730, G>A. VCF-style: chr5-112744730-G-A. GRCh37 (hg19) VCF-style: chr5-112080427-G-A.
Other names: c.-18-10143G>A (NM_001354895.2); c.166-21596G>A (NM_001354897.2, NM_001354902.2, NM_001127511.3); c.-19+6270G>A (NM_001127510.3); c.60+6270G>A (NM_001354898.2, NM_001354904.2); c.-1054+6805G>A (NM_001354906.2); c.-19+6805G>A (NM_001354896.2, NM_001354903.2, NM_001354899.2); c.-43+6805G>A (NM_001354900.2, NM_001354901.2, NM_001354905.2).
Identifiers: ClinVar variation 82348 (VCV000082348.2), dbSNP rs76565133, ClinGen allele CA006930.